The following is an entry in ClinVar:

ClinVar aggregate classification (germline): Uncertain significance (1 of 4 stars; one submission).

gnomAD v4.1: 7 of 1,613,514 alleles (0.00043%); highest among the groups gnomAD compares: South Asian, 0.0077%; no homozygotes.

Submission:

Labcorp Genetics (formerly Invitae), Labcorp
Classification: Uncertain significance. Last evaluated: 2026-01-22. Review status: criteria provided, single submitter. Criteria: Invitae Variant Classification Sherloc (09022015). Collection method: clinical testing. Allele origin: germline.
Comment: This sequence change replaces proline, which is neutral and non-polar, with leucine, which is neutral and non-polar, at codon 1623 of the COL7A1 protein (p.Pro1623Leu). The frequency data for this variant in the population databases is considered unreliable, as metrics indicate poor data quality at this position in the gnomAD database. This variant has not been reported in the literature in individuals affected with COL7A1-related conditions. Invitae Evidence Modeling of protein sequence and biophysical properties (such as structural, functional, and spatial information, amino acid conservation, physicochemical variation, residue mobility, and thermodynamic stability) indicates that this missense variant is not expected to disrupt COL7A1 protein function with a negative predictive value of 95%. In summary, the available evidence is currently insufficient to determine the role of this variant in disease. Therefore, it has been classified as a Variant of Uncertain Significance.

NM_000094.4(COL7A1):c.4868C>T (p.Pro1623Leu)

Gene: COL7A1 (collagen type VII alpha 1 chain; minus strand). Cytogenetic location: 3p21.31.
Variant type: single nucleotide variant.
Coding change: c.4868C>T on transcript NM_000094.4 (MANE Select); coding-DNA position 4868, C replaced by T.
Protein change: p.Pro1623Leu; replaces proline 1623 with leucine.
Molecular consequence: missense variant.
Genome position (GRCh38, 1-based): chr3:48,581,291, G>A on the plus strand (C>T on the coding strand, the complement: COL7A1 is on the minus strand). VCF-style: chr3-48581291-G-A. GRCh37 (hg19) VCF-style: chr3-48618724-G-A.
Other names: short protein forms P1623L.
Identifiers: ClinVar variation 4702464 (VCV004702464.1).